The following is an entry in ClinVar:

ClinVar aggregate classification (germline): Uncertain significance (1 of 4 stars; one submission).

Conditions:
Inborn genetic diseases. Identifiers: MedGen C0950123, MeSH D030342.

gnomAD v4.1: 1 of 1,614,096 alleles (0.000062%); no homozygotes.

Submission:

Ambry Genetics
Classification: Uncertain significance for Inborn genetic diseases. Last evaluated: 2025-01-06. Review status: criteria provided, single submitter. Criteria: Ambry Variant Classification Scheme 2023. Collection method: clinical testing. Allele origin: germline.
Comment: The p.K221R variant (also known as c.662A>G), located in coding exon 5 of the MECOM gene, results from an A to G substitution at nucleotide position 662. The lysine at codon 221 is replaced by arginine, an amino acid with highly similar properties. This amino acid position is conserved. In addition, this alteration is predicted to be tolerated by in silico analysis. Based on the available evidence, the clinical significance of this variant remains unclear.

NM_004991.4(MECOM):c.662A>G (p.Lys221Arg)

Gene: MECOM (MDS1 and EVI1 complex locus; minus strand). Cytogenetic location: 3q26.2.
Variant type: single nucleotide variant.
Coding change: c.662A>G on transcript NM_004991.4 (MANE Select); coding-DNA position 662, A replaced by G.
Protein change: p.Lys221Arg; replaces lysine 221 with arginine.
Molecular consequence: missense variant.
Genome position (GRCh38, 1-based): chr3:169,128,012, T>C on the plus strand (A>G on the coding strand, the complement: MECOM is on the minus strand). VCF-style: chr3-169128012-T-C. GRCh37 (hg19) VCF-style: chr3-168845800-T-C.
Other names: c.290A>G, p.Lys97Arg (NM_001105077.4); c.98A>G, p.Lys33Arg (NM_001105078.4, NM_001163999.2, NM_001164000.2 and 9 more transcripts); c.662A>G, p.Lys221Arg (NM_001366466.2, NM_001366473.2); short protein forms K221R, K33R, K97R.
Identifiers: ClinVar variation 3871670 (VCV003871670.1).